The following is an entry in ClinVar:

NM_170601.5(SIAE):c.1007T>C (p.Phe336Ser)

Gene: SIAE (sialic acid acetylesterase; minus strand). Cytogenetic location: 11q24.2.
Variant type: single nucleotide variant.
Coding change: c.1007T>C on transcript NM_170601.5 (MANE Select); coding-DNA position 1007, T replaced by C.
Protein change: p.Phe336Ser; replaces phenylalanine 336 with serine.
Molecular consequence: missense variant.
Genome position (GRCh38, 1-based): chr11:124,639,827, A>G on the plus strand (T>C on the coding strand, the complement: SIAE is on the minus strand). VCF-style: chr11-124639827-A-G. GRCh37 (hg19) VCF-style: chr11-124509723-A-G.
Other names: c.902T>C, p.Phe301Ser (NM_001199922.2); short protein forms F336S, F301S.
Identifiers: ClinVar variation 4777147 (VCV004777147.1).

ClinVar aggregate classification (germline): Uncertain significance (1 of 4 stars; one submission).

Submission:

Labcorp Genetics (formerly Invitae), Labcorp
Classification: Uncertain significance. Last evaluated: 2025-05-13. Review status: criteria provided, single submitter. Criteria: Invitae Variant Classification Sherloc (09022015). Collection method: clinical testing. Allele origin: germline.
Comment: This sequence change replaces phenylalanine, which is neutral and non-polar, with serine, which is neutral and polar, at codon 336 of the SIAE protein (p.Phe336Ser). This variant is not present in population databases (gnomAD no frequency). This variant has not been reported in the literature in individuals affected with SIAE-related conditions. An algorithm developed to predict the effect of missense changes on protein structure and function (PolyPhen-2) suggests that this variant is likely to be disruptive. In summary, the available evidence is currently insufficient to determine the role of this variant in disease. Therefore, it has been classified as a Variant of Uncertain Significance.